The following is an entry in ClinVar:

NM_001008212.2(OPTN):c.605C>T (p.Thr202Met)

Gene: OPTN (optineurin; plus strand). Cytogenetic location: 10p13.
Variant type: single nucleotide variant.
Coding change: c.605C>T on transcript NM_001008212.2 (MANE Select); coding-DNA position 605, C replaced by T.
Protein change: p.Thr202Met; replaces threonine 202 with methionine.
Molecular consequence: missense variant.
Genome position (GRCh38, 1-based): chr10:13,116,319, C>T. VCF-style: chr10-13116319-C-T. GRCh37 (hg19) VCF-style: chr10-13158319-C-T.
Other names: c.605C>T, p.Thr202Met (NM_001008211.1, NM_001008213.1, NM_021980.4); short protein forms T202M.
Identifiers: ClinVar variation 861585 (VCV000861585.10), dbSNP rs199700857, ClinGen allele CA203259553.

ClinVar aggregate classification (germline): Uncertain significance (1 of 4 stars; one submission).

Conditions:
Primary open angle glaucoma (POAG). Also called: OPTN-related open angle glaucoma. Identifiers: MedGen C0339573, MONDO:0100553, OMIM 137760.
Glaucoma 1, open angle, E. Identifiers: MedGen C1842026, MONDO:0007665.
Amyotrophic lateral sclerosis type 12 (ALS12). Also called: AMYOTROPHIC LATERAL SCLEROSIS 12 WITH OR WITHOUT FRONTOTEMPORAL DEMENTIA. Identifiers: Orphanet 803, MedGen C3150692, MONDO:0013264, OMIM 613435.

Allele frequency attached by ClinVar (database versions not stated): TOPMed below 0.00001; gnomAD 0.00001; gnomAD exomes 0.00001.
gnomAD v4.1: 5 of 1,613,332 alleles (0.00031%); highest among the groups gnomAD compares: East Asian, 0.0022%; no homozygotes.

Submission:

Labcorp Genetics (formerly Invitae), Labcorp
Classification: Uncertain significance for Primary open angle glaucoma; Glaucoma 1, open angle, E; Amyotrophic lateral sclerosis type 12. Last evaluated: 2025-07-16. Review status: criteria provided, single submitter. Criteria: Invitae Variant Classification Sherloc (09022015). Collection method: clinical testing. Allele origin: germline.
Comment: This sequence change replaces threonine, which is neutral and polar, with methionine, which is neutral and non-polar, at codon 202 of the OPTN protein (p.Thr202Met). This variant is present in population databases (rs199700857, gnomAD 0.002%). This variant has not been reported in the literature in individuals affected with OPTN-related conditions. ClinVar contains an entry for this variant (Variation ID: 861585). Invitae Evidence Modeling of protein sequence and biophysical properties (such as structural, functional, and spatial information, amino acid conservation, physicochemical variation, residue mobility, and thermodynamic stability) indicates that this missense variant is not expected to disrupt OPTN protein function with a negative predictive value of 80%. In summary, the available evidence is currently insufficient to determine the role of this variant in disease. Therefore, it has been classified as a Variant of Uncertain Significance.